The following is an entry in ClinVar:

NM_138636.5(TLR8):c.1715G>A (p.Gly572Asp)

Genes: TLR8 (toll like receptor 8; plus strand), TLR8-AS1 (TLR8 antisense RNA 1; minus strand). Cytogenetic location: Xp22.2.
Variant type: single nucleotide variant.
Coding change: c.1715G>A on transcript NM_138636.5 (MANE Select); coding-DNA position 1715, G replaced by A.
Protein change: p.Gly572Asp; replaces glycine 572 with aspartic acid.
Molecular consequence: missense variant.
Genome position (GRCh38, 1-based): chrX:12,920,755, G>A. VCF-style: chrX-12920755-G-A. GRCh37 (hg19) VCF-style: chrX-12938874-G-A.
Other names: c.1769G>A, p.Gly590Asp (NM_016610.4); short protein forms G572D, G590D.
Identifiers: ClinVar variation 1172678 (VCV001172678.3), dbSNP rs1385657144, ClinGen allele CA412416478.
Genomic context (GRCh38, chrX:12,920,755, plus strand): 5'-AATTGTCCGACTTGGAAGTTCTAGATCTCAGCTATAATTCACACTATTTCAGAATAGCAG[G>A]CGTAACACATCATCTAGAATTTATTCAAAATTTCACAAATCTAAAAGTTTTAAACTTGAG-3'
Protein context (NP_619542.1, residues 562-582): SYNSHYFRIA[Gly572Asp]VTHHLEFIQN

ClinVar aggregate classification (germline): Pathogenic. Review status: no assertion criteria provided (0 of 4 stars). 2 submissions from 2 submitters: Pathogenic (2). Last evaluated 2022-05-04.

Conditions:
Immunodeficiency 98 with autoinflammation, X-linked (IMD98). Also called: INFLAMMATION, NEUTROPENIA, BONE MARROW FAILURE, AND LYMPHOPROLIFERATION CAUSED BY TLR8. Identifiers: Orphanet 675628, MedGen C5676883, MONDO:0024777, OMIM 301078.
INFLTR8.

Submissions (2):

OMIM
Classification: Pathogenic for IMMUNODEFICIENCY 98 WITH AUTOINFLAMMATION, X-LINKED. Last evaluated: 2022-05-04. Review status: no assertion criteria provided. Collection method: literature only. Allele origin: germline.

Megan Cooper Lab, Washington University School of Medicine in St Louis
Classification: Pathogenic for INFLTR8. Review status: no assertion criteria provided. Collection method: case-control. Allele origin: germline. Affected: yes. Clinical features observed: Inflammation, Neutropenia, Bone marrow failure, Lymphoproliferation.
Comment: We identified 6 unrelated males with neutropenia, infections, lymphoproliferation, humoral immune defects, and in some cases bone marrow failure associated with 3 different variants in the X-linked gene TLR8, encoding the endosomal Toll-like receptor 8 (TLR8). Interestingly, 5 patients had somatic variants in TLR8 with <30% mosaicism, suggesting a dominant mechanism responsible for the clinical phenotype. Mosaicism was also detected in skin-derived fibroblasts in 3 patients, demonstrating that mutations were not limited to the hematopoietic compartment. All patients had refractory chronic neutropenia, and 3 patients underwent allogeneic hematopoietic cell transplantation. All variants conferred gain of function to TLR8 protein, and immune phenotyping demonstrated a proinflammatory phenotype with activated T cells and elevated serum cytokines associated with impaired B-cell maturation. Differentiation of myeloid cells from patient-derived induced pluripotent stem cells demonstrated increased responsiveness to TLR8. Together, these findings demonstrate that gain-of-function variants in TLR8 lead to a novel childhood-onset IEI with lymphoproliferation, neutropenia, infectious susceptibility, B- and T-cell defects, and in some cases, bone marrow failure. Somatic mosaicism is a prominent molecular mechanism of this new disease.

Literature cited by the submitters: PubMed 33512449 (cited by OMIM and Megan Cooper Lab, Washington University School of Medicine in St Louis).